The following is an entry in ClinVar:

ClinVar aggregate classification (germline): Uncertain significance. Review status: criteria provided, multiple submitters, no conflicts (2 of 4 stars). 3 submissions from 3 submitters: Uncertain significance (3). Last evaluated 2025-09-10.

Conditions:
Hereditary cancer-predisposing syndrome. Also called: Hereditary neoplastic syndrome; Neoplastic Syndromes, Hereditary; Hereditary Cancer Syndrome; Tumor predisposition. Identifiers: Orphanet 140162, MedGen C0027672, MeSH D009386, MONDO:0015356.
Familial cancer of breast. Also called: BREAST CANCER, FAMILIAL; hereditary breast carcinoma; Hereditary breast cancer. Identifiers: Orphanet 227535, MedGen C0346153, MONDO:0016419, OMIM 114480. Disease mechanism: loss of function.

Allele frequency attached by ClinVar (database versions not stated): gnomAD exomes below 0.00001; TOPMed 0.00001.
gnomAD v4.1: 1 of 1,612,848 alleles (0.000062%); highest among the groups gnomAD compares: Non-Finnish European, 0.000085%; no homozygotes.

Submissions (3):

Labcorp Genetics (formerly Invitae), Labcorp
Classification: Uncertain significance for Familial cancer of breast. Last evaluated: 2025-09-10. Review status: criteria provided, single submitter. Criteria: Invitae Variant Classification Sherloc (09022015). Collection method: clinical testing. Allele origin: germline.
Comment: This sequence change replaces leucine, which is neutral and non-polar, with glutamine, which is neutral and polar, at codon 1046 of the PALB2 protein (p.Leu1046Gln). This variant is not present in population databases (gnomAD no frequency). This variant has not been reported in the literature in individuals affected with PALB2-related conditions. ClinVar contains an entry for this variant (Variation ID: 1718729). Invitae Evidence Modeling of protein sequence and biophysical properties (such as structural, functional, and spatial information, amino acid conservation, physicochemical variation, residue mobility, and thermodynamic stability) indicates that this missense variant is expected to disrupt PALB2 protein function with a positive predictive value of 80%. In summary, the available evidence is currently insufficient to determine the role of this variant in disease. Therefore, it has been classified as a Variant of Uncertain Significance.

Ambry Genetics
Classification: Uncertain significance for Hereditary cancer-predisposing syndrome. Last evaluated: 2024-02-25. Review status: criteria provided, single submitter. Criteria: Ambry Variant Classification Scheme 2023. Collection method: clinical testing. Allele origin: germline.
Comment: The p.L1046Q variant (also known as c.3137T>A), located in coding exon 11 of the PALB2 gene, results from a T to A substitution at nucleotide position 3137. The leucine at codon 1046 is replaced by glutamine, an amino acid with dissimilar properties. This amino acid position is conserved. In addition, the in silico prediction for this alteration is inconclusive. Based on the available evidence, the clinical significance of this alteration remains unclear.

Quest Diagnostics Nichols Institute San Juan Capistrano
Classification: Uncertain significance. Last evaluated: 2022-12-07. Review status: criteria provided, single submitter. Criteria: Quest Diagnostics criteria. Collection method: clinical testing. Allele origin: unknown.
Comment: The variant has not been reported in the published literature. It also has not been reported in large, multi-ethnic general populations. Analysis of this variant using bioinformatics tools for the prediction of the effect of amino acid changes on protein structure and function yielded predictions that this variant is damaging. Based on the available information, we are unable to determine the clinical significance of this variant.

NM_024675.4(PALB2):c.3137T>A (p.Leu1046Gln)

Gene: PALB2 (partner and localizer of BRCA2; minus strand). Cytogenetic location: 16p12.2.
Variant type: single nucleotide variant.
Coding change: c.3137T>A on transcript NM_024675.4 (MANE Select); coding-DNA position 3137, T replaced by A.
Protein change: p.Leu1046Gln; replaces leucine 1046 with glutamine.
Molecular consequence: missense variant.
Genome position (GRCh38, 1-based): chr16:23,614,068, A>T on the plus strand (T>A on the coding strand, the complement: PALB2 is on the minus strand). VCF-style: chr16-23614068-A-T. GRCh37 (hg19) VCF-style: chr16-23625389-A-T.
Other names: c.3077T>A, p.Leu1026Gln (NM_001407296.1); c.3065T>A, p.Leu1022Gln (NM_001407297.1); c.2975T>A, p.Leu992Gln (NM_001407298.1, NM_001407302.1); c.2858T>A, p.Leu953Gln (NM_001407300.1); c.3137T>A, p.Leu1046Gln (NM_001407301.1); c.2252T>A, p.Leu751Gln (NM_001407304.1, NM_001407305.1, NM_001407306.1 and 2 more transcripts); c.2090T>A, p.Leu697Gln (NM_001407307.1); c.1349T>A, p.Leu450Gln (NM_001407312.1, NM_001407313.1); and 1 more; short protein forms L1022Q, L1026Q, L1046Q, L224Q, L450Q, L697Q, L751Q, L953Q.
Identifiers: ClinVar variation 1718729 (VCV001718729.7), dbSNP rs1966636283, ClinGen allele CA395141384.